The following is an entry in ClinVar:

NM_144991.3(TSPEAR):c.365G>A (p.Arg122Gln)

Gene: TSPEAR (thrombospondin type laminin G domain and EAR repeats; minus strand). Cytogenetic location: 21q22.3.
Variant type: single nucleotide variant.
Coding change: c.365G>A on transcript NM_144991.3 (MANE Select); coding-DNA position 365, G replaced by A.
Protein change: p.Arg122Gln; replaces arginine 122 with glutamine.
Molecular consequence: missense variant.
Genome position (GRCh38, 1-based): chr21:44,533,862, C>T on the plus strand (G>A on the coding strand, the complement: TSPEAR is on the minus strand). VCF-style: chr21-44533862-C-T. GRCh37 (hg19) VCF-style: chr21-45953745-C-T.
Other names: c.161G>A, p.Arg54Gln (NM_001272037.2); short protein forms R122Q, R54Q.
Identifiers: ClinVar variation 1194799 (VCV001194799.10), dbSNP rs141753295, ClinGen allele CA10057041.

ClinVar aggregate classification (germline): Conflicting classifications of pathogenicity. Review status: criteria provided, conflicting classifications (1 of 4 stars). 5 submissions from 5 submitters: Uncertain significance (3); Likely benign (2). Last evaluated 2025-10-16.

Conditions:
TSPEAR-related disorder. Also called: TSPEAR-related condition.
Inborn genetic diseases. Identifiers: MedGen C0950123, MeSH D030342.

Allele frequency attached by ClinVar (database versions not stated): gnomAD exomes 0.00006 and 0.00015; ExAC 0.00017; 1000 Genomes Project 0.00020; 1000 Genomes Project 30x 0.00031; gnomAD 0.00046 and 0.00051; TOPMed 0.00052; ESP Exome Variant Server 0.00069.
gnomAD v4.1: 157 of 1,612,328 alleles (0.0097%); highest among the groups gnomAD compares: African/African-American, 0.14%; no homozygotes.

Submissions (5):

PreventionGenetics, part of Exact Sciences
Classification: Likely benign for TSPEAR-related condition. Last evaluated: 2025-10-16. Review status: criteria provided, single submitter. Criteria: ACMG Guidelines, 2015. Collection method: clinical testing. Allele origin: germline.
Comment: This variant is classified as likely benign based on ACMG/AMP sequence variant interpretation guidelines (Richards et al. 2015 PMID: 25741868, with internal and published modifications).

Labcorp Genetics (formerly Invitae), Labcorp
Classification: Uncertain significance. Last evaluated: 2024-10-30. Review status: criteria provided, single submitter. Criteria: Invitae Variant Classification Sherloc (09022015). Collection method: clinical testing. Allele origin: germline.
Comment: This sequence change replaces arginine, which is basic and polar, with glutamine, which is neutral and polar, at codon 122 of the TSPEAR protein (p.Arg122Gln). This variant is present in population databases (rs141753295, gnomAD 0.2%). This variant has not been reported in the literature in individuals affected with TSPEAR-related conditions. ClinVar contains an entry for this variant (Variation ID: 1194799). Invitae Evidence Modeling of protein sequence and biophysical properties (such as structural, functional, and spatial information, amino acid conservation, physicochemical variation, residue mobility, and thermodynamic stability) indicates that this missense variant is not expected to disrupt TSPEAR protein function with a negative predictive value of 80%. In summary, the available evidence is currently insufficient to determine the role of this variant in disease. Therefore, it has been classified as a Variant of Uncertain Significance.

Blueprint Genetics
Classification: Uncertain significance. Last evaluated: 2024-08-06. Review status: criteria provided, single submitter. Criteria: ACMG Guidelines, 2015. Collection method: clinical testing. Allele origin: germline.

Ambry Genetics
Classification: Uncertain significance for Inborn genetic diseases. Last evaluated: 2023-03-01. Review status: criteria provided, single submitter. Criteria: Ambry Variant Classification Scheme 2023. Collection method: clinical testing. Allele origin: germline.

GeneDx
Classification: Likely benign. Last evaluated: 2020-09-11. Review status: criteria provided, single submitter. Criteria: GeneDx Variant Classification Process June 2021. Collection method: clinical testing. Allele origin: germline. Affected: yes.